The following is an entry in ClinVar:

ClinVar aggregate classification (germline): Uncertain significance (1 of 4 stars; one submission).

Conditions:
Multiple congenital exostosis (EXT). Also called: Hereditary multiple osteochondromas; Hereditary multiple exostoses; Hereditary multiple exostosis; Multiple osteochondromas; MULTIPLE CARTILAGINOUS EXOSTOSES; Multiple exostoses. Identifiers: Orphanet 321, MedGen C0015306, MONDO:0005508, HP:0002762.

Submission:

Labcorp Genetics (formerly Invitae), Labcorp
Classification: Uncertain significance for Multiple congenital exostosis. Last evaluated: 2024-12-12. Review status: criteria provided, single submitter. Criteria: Invitae Variant Classification Sherloc (09022015). Collection method: clinical testing. Allele origin: germline.
Comment: This sequence change replaces phenylalanine, which is neutral and non-polar, with leucine, which is neutral and non-polar, at codon 8 of the EXT1 protein (p.Phe8Leu). This variant is not present in population databases (gnomAD no frequency). This variant has not been reported in the literature in individuals affected with EXT1-related conditions. Invitae Evidence Modeling of protein sequence and biophysical properties (such as structural, functional, and spatial information, amino acid conservation, physicochemical variation, residue mobility, and thermodynamic stability) indicates that this missense variant is not expected to disrupt EXT1 protein function with a negative predictive value of 95%. In summary, the available evidence is currently insufficient to determine the role of this variant in disease. Therefore, it has been classified as a Variant of Uncertain Significance.

NM_000127.3(EXT1):c.24C>A (p.Phe8Leu)

Gene: EXT1 (exostosin glycosyltransferase 1; minus strand). Cytogenetic location: 8q24.11.
Variant type: single nucleotide variant.
Coding change: c.24C>A on transcript NM_000127.3 (MANE Select); coding-DNA position 24, C replaced by A.
Protein change: p.Phe8Leu; replaces phenylalanine 8 with leucine.
Molecular consequence: missense variant.
Genome position (GRCh38, 1-based): chr8:118,111,023, G>T on the plus strand (C>A on the coding strand, the complement: EXT1 is on the minus strand). VCF-style: chr8-118111023-G-T. GRCh37 (hg19) VCF-style: chr8-119123262-G-T.
Other names: short protein forms F8L.
Identifiers: ClinVar variation 3637102 (VCV003637102.2).